The following is an entry in ClinVar:

ClinVar aggregate classification (germline): Likely benign (1 of 4 stars; one submission).

Allele frequency attached by ClinVar (database versions not stated): TOPMed below 0.00001 and 0.00001; gnomAD 0.00001.
gnomAD v4.1: 3 of 1,543,860 alleles (0.00019%); highest among the groups gnomAD compares: East Asian, 0.0022%; no homozygotes.

Submission:

GeneDx
Classification: Likely benign. Last evaluated: 2014-09-08. Review status: criteria provided, single submitter. Criteria: GeneDx Variant Classification (06012015). Collection method: clinical testing. Allele origin: germline. Affected: yes.
Comment: This variant is considered likely benign or benign based on one or more of the following criteria: it is a conservative change, it occurs at a poorly conserved position in the protein, it is predicted to be benign by multiple in silico algorithms, and/or has population frequency not consistent with disease.

NM_015443.4(KANSL1):c.1547C>G (p.Ser516Cys)

Gene: KANSL1 (KAT8 regulatory NSL complex subunit 1). Cytogenetic location: 17q21.31.
Variant type: single nucleotide variant.
Coding change: c.1547C>G on transcript NM_015443.4 (MANE Select); coding-DNA position 1547, C replaced by G.
Protein change: p.Ser516Cys; replaces serine 516 with cysteine.
Molecular consequence: missense variant.
Genome position (GRCh38, 1-based): chr17:46,067,654, G>C on the plus strand (C>G on the coding strand, the complement: KANSL1 is on the minus strand). VCF-style: chr17-46067654-G-C. GRCh37 (hg19) VCF-style: chr17-44145020-G-C.
Other names: p.S516C:TCT>TGT; c.1547C>G, p.Ser516Cys (NM_001193465.2, NM_001193466.2, NM_001379198.1); short protein forms S516C.
Identifiers: ClinVar variation 205735 (VCV000205735.1), dbSNP rs796052584, ClinGen allele CA315097.
Genomic context (GRCh38, chr17:46,067,654, plus strand): 5'-GTAGACAGTGACTCTGAAATATGACCAATAATAGGGGCACCATGGTTTTCCAATGGCTGA[G>C]AAACAGACTCAATCTGATTAAGAAAAAGGAAAAAAGAAATTAACATGTACCCAAGCGCAC-3'
Protein context (NP_056258.1, residues 506-526): HGTDKLIESV[Ser516Cys]QPLENHGAPI